The following is an entry in ClinVar:

ClinVar aggregate classification (germline): Uncertain significance (1 of 4 stars; one submission).

Conditions:
TRPV4-related disorder. Also called: TRPV4-related disorders; TRPV4-related condition.

gnomAD v4.1: 3 of 1,613,968 alleles (0.00019%); highest among the groups gnomAD compares: East Asian, 0.0022%; no homozygotes.

Submission:

PreventionGenetics, part of Exact Sciences
Classification: Uncertain significance for TRPV4-related condition. Last evaluated: 2025-09-08. Review status: criteria provided, single submitter. Criteria: ACMG Guidelines, 2015. Collection method: clinical testing. Allele origin: germline.
Comment: The TRPV4 c.920A>G variant is predicted to result in the amino acid substitution p.Asn307Ser. To our knowledge, this variant has not been reported in the literature. This variant is reported in 0.011% of alleles in individuals of African descent in gnomAD. At this time, the clinical significance of this variant is uncertain due to the absence of conclusive functional and genetic evidence.

NM_021625.5(TRPV4):c.920A>G (p.Asn307Ser)

Gene: TRPV4 (transient receptor potential cation channel subfamily V member 4; minus strand). Cytogenetic location: 12q24.11.
Variant type: single nucleotide variant.
Coding change: c.920A>G on transcript NM_021625.5 (MANE Select); coding-DNA position 920, A replaced by G.
Protein change: p.Asn307Ser; replaces asparagine 307 with serine.
Molecular consequence: missense variant.
Genome position (GRCh38, 1-based): chr12:109,798,846, T>C on the plus strand (A>G on the coding strand, the complement: TRPV4 is on the minus strand). VCF-style: chr12-109798846-T-C. GRCh37 (hg19) VCF-style: chr12-110236651-T-C.
Other names: c.779A>G, p.Asn260Ser (NM_001177428.2, NM_001177433.2); c.818A>G, p.Asn273Ser (NM_001177431.2); c.920A>G, p.Asn307Ser (NM_147204.3); short protein forms N260S, N307S, N273S.
Identifiers: ClinVar variation 4984230 (VCV004984230.1).
Genomic context (GRCh38, chr12:109,798,846, plus strand): 5'-GCATGCAGCACTGTGTTGCCTCGCGAGTCCTGGCGCCGCATGTCCGCCTTCTTGTGGGGG[T>C]TCTCCGTCAGGTAGTTGACAATGTGGGGCTGGTTGGTGCAGGCAGCCAGCGACAGGGGCA-3'
Protein context (NP_067638.3, residues 297-317): QPHIVNYLTE[Asn307Ser]PHKKADMRRQ